The following is an entry in ClinVar:

ClinVar aggregate classification (germline): Uncertain significance. Review status: criteria provided, multiple submitters, no conflicts (2 of 4 stars). 2 submissions from 2 submitters: Uncertain significance (2). Last evaluated 2026-04-07.

Conditions:
MAGEL2-related disorder. Also called: MAGEL2-related condition.

gnomAD v4.1: 65 of 1,356,424 alleles (0.0048%); highest among the groups gnomAD compares: Non-Finnish European, 0.0032%; no homozygotes.

Submissions (2):

PreventionGenetics, part of Exact Sciences
Classification: Uncertain significance for MAGEL2-related condition. Last evaluated: 2026-04-07. Review status: criteria provided, single submitter. Criteria: ACMG Guidelines, 2015. Collection method: clinical testing. Allele origin: germline.
Comment: The MAGEL2 c.1613C>T variant is predicted to result in the amino acid substitution p.Ala538Val. To our knowledge, this variant has not been reported in the literature. This variant is reported in 0.0066% of alleles in individuals of European (Non-Finnish) descent in gnomAD. At this time, the clinical significance of this variant is uncertain due to the absence of conclusive functional and genetic evidence.

Blueprint Genetics
Classification: Uncertain significance. Last evaluated: 2024-10-24. Review status: criteria provided, single submitter. Criteria: ACMG Guidelines, 2015. Collection method: clinical testing. Allele origin: germline.

NM_019066.5(MAGEL2):c.1613C>T (p.Ala538Val)

Gene: MAGEL2 (MAGE family member L2; minus strand). Cytogenetic location: 15q11.2.
Variant type: single nucleotide variant.
Coding change: c.1613C>T on transcript NM_019066.5 (MANE Select); coding-DNA position 1613, C replaced by T.
Protein change: p.Ala538Val; replaces alanine 538 with valine.
Molecular consequence: missense variant.
Genome position (GRCh38, 1-based): chr15:23,646,130, G>A on the plus strand (C>T on the coding strand, the complement: MAGEL2 is on the minus strand). VCF-style: chr15-23646130-G-A. GRCh37 (hg19) VCF-style: chr15-23891277-G-A.
Other names: c.1613C>T (NM_019066.4); short protein forms A538V.
Identifiers: ClinVar variation 4923510 (VCV004923510.2).